The following is an entry in ClinVar:

NM_006642.5(SDCCAG8):c.1853+2T>A

Gene: SDCCAG8 (SHH signaling and ciliogenesis regulator SDCCAG8; plus strand). Cytogenetic location: 1q43.
Variant type: single nucleotide variant.
Coding change: c.1853+2T>A on transcript NM_006642.5 (MANE Select); the canonical splice donor site of the intron after coding-DNA position 1853, T replaced by A.
Molecular consequence: splice donor variant.
Genome position (GRCh38, 1-based): chr1:243,418,078, T>A. VCF-style: chr1-243418078-T-A. GRCh37 (hg19) VCF-style: chr1-243581380-T-A.
Other names: c.1559+2T>A (NM_001350249.2); c.950+2T>A (NM_001350251.2, NM_001350246.2, NM_001350247.2); c.1949+2T>A (NM_001350248.2).
Identifiers: ClinVar variation 2003898 (VCV002003898.4), dbSNP rs2528456354, ClinGen allele CA345667624.

ClinVar aggregate classification (germline): Likely pathogenic (1 of 4 stars; one submission).

Conditions:
Senior-Loken syndrome 7 (SLSN7). Identifiers: Orphanet 3156, MedGen C3150877, MONDO:0013326, OMIM 613615.
Bardet-Biedl syndrome 16 (BBS16). Identifiers: Orphanet 110, MedGen C3889474, MONDO:0014444, OMIM 615993.

Submission:

Labcorp Genetics (formerly Invitae), Labcorp
Classification: Likely pathogenic for Bardet-Biedl syndrome 16; Senior-Loken syndrome 7. Last evaluated: 2022-06-09. Review status: criteria provided, single submitter. Criteria: Invitae Variant Classification Sherloc (09022015). Collection method: clinical testing. Allele origin: germline.
Comment: In summary, the currently available evidence indicates that the variant is pathogenic, but additional data are needed to prove that conclusively. Therefore, this variant has been classified as Likely Pathogenic. Algorithms developed to predict the effect of sequence changes on RNA splicing suggest that this variant may disrupt the consensus splice site. This variant has not been reported in the literature in individuals affected with SDCCAG8-related conditions. This variant is not present in population databases (gnomAD no frequency). This sequence change affects a donor splice site in intron 15 of the SDCCAG8 gene. It is expected to disrupt RNA splicing. Variants that disrupt the donor or acceptor splice site typically lead to a loss of protein function (PMID: 16199547), and loss-of-function variants in SDCCAG8 are known to be pathogenic (PMID: 20835237, 22190896).

Literature cited by the submitters: PubMed 16199547; PubMed 20835237; PubMed 22190896.